The following is an entry in ClinVar:

NM_000535.7(PMS2):c.735G>T (p.Leu245=)

Gene: PMS2 (PMS1 homolog 2, mismatch repair system component; minus strand). Cytogenetic location: 7p22.1.
Variant type: single nucleotide variant.
Coding change: c.735G>T on transcript NM_000535.7 (MANE Select); coding-DNA position 735, G replaced by T.
Protein change: p.Leu245=; no amino-acid change (leucine 245 retained).
Molecular consequence: synonymous variant. On other transcripts: 5 prime UTR variant (2), non-coding transcript variant (1).
Genome position (GRCh38, 1-based): chr7:5,997,394, C>A on the plus strand (G>T on the coding strand, the complement: PMS2 is on the minus strand). VCF-style: chr7-5997394-C-A. GRCh37 (hg19) VCF-style: chr7-6037025-C-A.
Other names: c.330G>T, p.Leu110= (NM_001322003.2, NM_001322004.2, NM_001322005.2 and 2 more transcripts); c.735G>T, p.Leu245= (NM_001322006.2, NM_001322014.2); c.417G>T, p.Leu139= (NM_001322007.2, NM_001322008.2); c.-199G>T (NM_001322011.2, NM_001322012.2); c.162G>T, p.Leu54= (NM_001322013.2); c.426G>T, p.Leu142= (NM_001322015.2).
Identifiers: ClinVar variation 186505 (VCV000186505.24), dbSNP rs373366661, ClinGen allele CA012689.

ClinVar aggregate classification (germline): Conflicting classifications of pathogenicity. Review status: criteria provided, conflicting classifications (1 of 4 stars). 10 submissions from 10 submitters: Uncertain significance (2); Benign (1); Likely benign (7). Last evaluated 2026-01-28.

Conditions:
Hereditary nonpolyposis colorectal neoplasms. Identifiers: MedGen C0009405, MeSH D003123.
Hereditary cancer-predisposing syndrome. Also called: Tumor predisposition; Neoplastic Syndromes, Hereditary; Hereditary neoplastic syndrome; Hereditary Cancer Syndrome. Identifiers: Orphanet 140162, MedGen C0027672, MeSH D009386, MONDO:0015356.
Lynch syndrome. Identifiers: Orphanet 144, MedGen C4552100, MONDO:0005835. Disease mechanism: loss of function.
Lynch syndrome 4 (LYNCH4). Also called: Colorectal cancer, hereditary nonpolyposis, type 4; Hereditary non-polyposis colorectal cancer, type 4. Identifiers: Orphanet 144, MedGen C1838333, MONDO:0013699, OMIM 614337. Disease mechanism: loss of function.

Allele frequency attached by ClinVar (database versions not stated): gnomAD exomes 0.00001 and 0.00002; ExAC 0.00003; gnomAD 0.00007 and 0.00008; ESP Exome Variant Server 0.00023.
gnomAD v4.1: 26 of 1,591,444 alleles (0.0016%); highest among the groups gnomAD compares: African/African-American, 0.027%; no homozygotes.

Submissions (10):

Labcorp Genetics (formerly Invitae), Labcorp
Classification: Likely benign for Hereditary nonpolyposis colorectal neoplasms. Last evaluated: 2026-01-28. Review status: criteria provided, single submitter. Criteria: Invitae Variant Classification Sherloc (09022015). Collection method: clinical testing. Allele origin: germline.

Quest Diagnostics Nichols Institute San Juan Capistrano
Classification: Uncertain significance. Last evaluated: 2025-07-18. Review status: criteria provided, single submitter. Criteria: Quest Diagnostics criteria. Collection method: clinical testing. Allele origin: unknown.
Comment: The PMS2 c.735G>T (p.Leu245=) synonymous variant has not been reported in individuals with PMS2-related conditions in the published literature. The frequency of this variant in the general population (Genome Aggregation Database) is uninformative in the assessment of its pathogenicity. Analysis of this variant using software algorithms for the prediction of the effect of nucleotide changes on splicing yielded predictions that this variant does not affect PMS2 mRNA splicing. Based on the available information, we are unable to determine the clinical significance of this variant.

Myriad Genetics, Inc.
Classification: Benign for Lynch syndrome 4. Last evaluated: 2025-01-28. Review status: criteria provided, single submitter. Criteria: Myriad Autosomal Dominant, Autosomal Recessive and X-Linked Classification Criteria (2023). Collection method: clinical testing. Allele origin: unknown.
Comment: This variant is considered benign. This variant is a silent/synonymous amino acid change and it is not expected to impact splicing.

All of Us Research Program, National Institutes of Health
Classification: Likely benign for Lynch syndrome. Last evaluated: 2023-12-13. Review status: criteria provided, single submitter. Criteria: ACMG Guidelines, 2015. Collection method: clinical testing. Allele origin: germline. Inheritance: Autosomal dominant inheritance. Observed: 3 variant alleles, 3 heterozygotes.
Comment: This study involves interpretation of variants in research participants for the purpose of population health screening. Participant phenotype was not available at the time of variant classification. Additional details can be found in publication PMID: 35346344, PMCID: PMC8962531

Women's Health and Genetics/Laboratory Corporation of America, LabCorp
Classification: Likely benign. Last evaluated: 2023-05-28. Review status: criteria provided, single submitter. Criteria: LabCorp Variant Classification Summary - May 2015. Collection method: clinical testing. Allele origin: germline.

Blueprint Genetics
Classification: Likely benign. Last evaluated: 2022-09-08. Review status: criteria provided, single submitter. Criteria: ACMG Guidelines, 2015. Collection method: clinical testing. Allele origin: germline.

Sema4
Classification: Uncertain significance for Hereditary cancer-predisposing syndrome. Last evaluated: 2021-09-09. Review status: criteria provided, single submitter. Criteria: Sema4 Curation Guidelines. Collection method: curation. Allele origin: germline.
Comment: The PMS2 c.735G>T (p.L245=) variant has not been reported in the literature to our knowledge. It was observed in 8/24358 chromosomes of the African subpopulation in the large and broad cohorts of the Genome Aggregation Database (PMID: 32461654), and has been reported in ClinVar (Variation ID 186505). In silico tools suggest the variant may disrupt normal splicing, though these predictions have not been confirmed by functional studies. The evidence is insufficient to meet ACMG/AMP criteria for classifying the variant as benign or pathogenic. Thus, the clinical significance of this variant is currently uncertain.

GeneDx
Classification: Likely benign. Last evaluated: 2018-06-11. Review status: criteria provided, single submitter. Criteria: GeneDx Variant Classification (06012015). Collection method: clinical testing. Allele origin: germline. Affected: yes.
Comment: This variant is considered likely benign or benign based on one or more of the following criteria: it is a conservative change, it occurs at a poorly conserved position in the protein, it is predicted to be benign by multiple in silico algorithms, and/or has population frequency not consistent with disease.

Color Diagnostics, LLC DBA Color Health
Classification: Likely benign for Hereditary cancer-predisposing syndrome. Last evaluated: 2016-01-13. Review status: criteria provided, single submitter. Criteria: ACMG Guidelines, 2015. Collection method: clinical testing. Allele origin: germline.

Ambry Genetics
Classification: Likely benign for Hereditary cancer-predisposing syndrome. Last evaluated: 2014-09-19. Review status: criteria provided, single submitter. Criteria: Ambry Variant Classification Scheme 2023. Collection method: clinical testing. Allele origin: germline.